The following is an entry in ClinVar:

NM_001365951.3(KIF1B):c.5036C>G (p.Ala1679Gly)

Gene: KIF1B (kinesin family member 1B; plus strand). Cytogenetic location: 1p36.22.
Variant type: single nucleotide variant.
Coding change: c.5036C>G on transcript NM_001365951.3 (MANE Select); coding-DNA position 5036, C replaced by G.
Protein change: p.Ala1679Gly; replaces alanine 1679 with glycine.
Molecular consequence: missense variant.
Genome position (GRCh38, 1-based): chr1:10,374,405, C>G. VCF-style: chr1-10374405-C-G. GRCh37 (hg19) VCF-style: chr1-10434463-C-G.
Other names: p.Ala1633Gly; c.5036C>G, p.Ala1679Gly (NM_001365952.1); c.4898C>G, p.Ala1633Gly (NM_015074.3); short protein forms A1633G, A1679G.
Identifiers: ClinVar variation 1693803 (VCV001693803.9), dbSNP rs776751303, ClinGen allele CA582250.

ClinVar aggregate classification (germline): Uncertain significance. Review status: criteria provided, multiple submitters, no conflicts (2 of 4 stars). 4 submissions from 4 submitters: Uncertain significance (4). Last evaluated 2025-01-14.

Conditions:
Neuroblastoma, susceptibility to, 1. Identifiers: MedGen C2749485, MONDO:0009741, OMIM 256700.
Charcot-Marie-Tooth disease type 2A1. Also called: CHARCOT-MARIE-TOOTH DISEASE, AXONAL, TYPE 2A1; CHARCOT-MARIE-TOOTH DISEASE, AXONAL, AUTOSOMAL DOMINANT, TYPE 2A1; CHARCOT-MARIE-TOOTH DISEASE, NEURONAL, TYPE 2A1; CHARCOT-MARIE-TOOTH NEUROPATHY, TYPE 2A1; HEREDITARY MOTOR AND SENSORY NEUROPATHY IIA1. Identifiers: Orphanet 99946, MedGen C1861678, MONDO:0007308, OMIM 118210.
Charcot-Marie-Tooth disease type 2. Also called: Charcot-Marie-Tooth type 2. Identifiers: Orphanet 64746, MedGen C0270914, MONDO:0018993.

Allele frequency attached by ClinVar (database versions not stated): gnomAD 0.00001; ExAC 0.00002; gnomAD exomes 0.00001 and 0.00002; TOPMed 0.00001.
gnomAD v4.1: 24 of 1,614,020 alleles (0.0015%); highest among the groups gnomAD compares: African/African-American, 0.0067%; no homozygotes.

Submissions (4):

Labcorp Genetics (formerly Invitae), Labcorp
Classification: Uncertain significance for Charcot-Marie-Tooth disease type 2. Last evaluated: 2025-01-14. Review status: criteria provided, single submitter. Criteria: Invitae Variant Classification Sherloc (09022015). Collection method: clinical testing. Allele origin: germline.
Comment: This sequence change replaces alanine, which is neutral and non-polar, with glycine, which is neutral and non-polar, at codon 1633 of the KIF1B protein (p.Ala1633Gly). This variant is present in population databases (rs776751303, gnomAD 0.003%). This variant has not been reported in the literature in individuals affected with KIF1B-related conditions. ClinVar contains an entry for this variant (Variation ID: 1693803). An algorithm developed to predict the effect of missense changes on protein structure and function (PolyPhen-2) suggests that this variant is likely to be tolerated. In summary, the available evidence is currently insufficient to determine the role of this variant in disease. Therefore, it has been classified as a Variant of Uncertain Significance.

Fulgent Genetics
Classification: Uncertain significance for Charcot-Marie-Tooth disease type 2A1; Neuroblastoma, susceptibility to, 1. Last evaluated: 2024-03-01. Review status: criteria provided, single submitter. Criteria: ACMG Guidelines, 2015. Collection method: clinical testing. Allele origin: germline.

Ambry Genetics
Classification: Uncertain significance. Last evaluated: 2024-02-25. Review status: criteria provided, single submitter. Criteria: Ambry Variant Classification Scheme 2023. Collection method: clinical testing. Allele origin: germline.
Comment: The p.A1633G variant (also known as c.4898C>G), located in coding exon 43 of the KIF1B gene, results from a C to G substitution at nucleotide position 4898. The alanine at codon 1633 is replaced by glycine, an amino acid with similar properties. This amino acid position is conserved. In addition, the in silico prediction for this alteration is inconclusive. Since supporting evidence is limited at this time, the clinical significance of this alteration remains unclear.

Mayo Clinic Laboratories, Mayo Clinic
Classification: Uncertain significance. Last evaluated: 2021-06-10. Review status: criteria provided, single submitter. Criteria: ACMG Guidelines, 2015. Collection method: clinical testing. Allele origin: germline.